The following is an entry in ClinVar:

ClinVar aggregate classification (germline): Likely pathogenic (1 of 4 stars; one submission).

Conditions:
Joubert syndrome. Also called: CEREBELLOPARENCHYMAL DISORDER IV; JOUBERT-BOLTSHAUSER SYNDROME; Familial aplasia of the vermis. Identifiers: Orphanet 475, MedGen C5979921, MONDO:0018772.
Nephronophthisis. Also called: Juvenile Nephronophthisis. Identifiers: Orphanet 655, MedGen C0687120, MONDO:0019005, HP:0000090.
Meckel-Gruber syndrome. Also called: DYSENCEPHALIA SPLANCHNOCYSTICA; GRUBER SYNDROME; Dysencephalia splachnocystica. Identifiers: Orphanet 564, MedGen C0265215, MONDO:0018921.

Submission:

Labcorp Genetics (formerly Invitae), Labcorp
Classification: Likely pathogenic for Joubert syndrome; Meckel-Gruber syndrome; Nephronophthisis. Last evaluated: 2023-10-20. Review status: criteria provided, single submitter. Criteria: Invitae Variant Classification Sherloc (09022015). Collection method: clinical testing. Allele origin: germline.
Comment: This variant results in the deletion of part of exon 51 (c.6961-3_6965del) of the CEP290 gene. It is expected to disrupt RNA splicing. Variants that disrupt the donor or acceptor splice site typically lead to a loss of protein function (PMID: 16199547), and loss-of-function variants in CEP290 are known to be pathogenic (PMID: 16909394, 17345604, 20690115). This variant is not present in population databases (gnomAD no frequency). This variant has not been reported in the literature in individuals affected with CEP290-related conditions. In summary, the currently available evidence indicates that the variant is pathogenic, but additional data are needed to prove that conclusively. Therefore, this variant has been classified as Likely Pathogenic.

Literature cited by the submitters: PubMed 16199547; PubMed 16909394; PubMed 17345604; PubMed 20690115.

NM_025114.4(CEP290):c.6961-3_6965del

Gene: CEP290 (centrosomal protein 290; minus strand). Cytogenetic location: 12q21.32.
Variant type: Deletion.
Coding change: c.6961-3_6965del on transcript NM_025114.4 (MANE Select); 3 bases into the intron before coding-DNA position 6961 through coding-DNA position 6965, 8 bases deleted (AAGATTAA; older notation c.6961-3_6965delAAGATTAA).
Molecular consequence: splice acceptor variant.
Genome position (GRCh38, 1-based): chr12:88,054,409-88,054,416, TTAATCTT deleted on the plus strand (AAGATTAA on the coding strand, the reverse complement: CEP290 is on the minus strand); deleting any 8 consecutive bases within chr12:88,054,409-88,054,417 gives the same sequence; the c. name uses the placement nearest the transcript's 3' end. VCF-style (leftmost placement, unchanged base first): chr12-88054408-CTTAATCTT-C. GRCh37 (hg19) VCF-style: chr12-88448185-CTTAATCTT-C.
Identifiers: ClinVar variation 2953100 (VCV002953100.3), dbSNP rs2499446500, ClinGen allele CA2740092444.